The following is an entry in ClinVar:

NM_001018113.3(FANCB):c.1021G>A (p.Val341Ile)

Gene: FANCB (FA complementation group B; minus strand). Cytogenetic location: Xp22.2.
Variant type: single nucleotide variant.
Coding change: c.1021G>A on transcript NM_001018113.3 (MANE Select); coding-DNA position 1021, G replaced by A.
Protein change: p.Val341Ile; replaces valine 341 with isoleucine.
Molecular consequence: missense variant.
Genome position (GRCh38, 1-based): chrX:14,859,265, C>T on the plus strand (G>A on the coding strand, the complement: FANCB is on the minus strand). VCF-style: chrX-14859265-C-T. GRCh37 (hg19) VCF-style: chrX-14877387-C-T.
Other names: c.1021G>A, p.Val341Ile (NM_001324162.2, NM_152633.4); short protein forms V341I.
Identifiers: ClinVar variation 1037308 (VCV001037308.8), dbSNP rs2092436307, ClinGen allele CA412443168.

ClinVar aggregate classification (germline): Uncertain significance (1 of 4 stars; one submission).

Conditions:
Fanconi anemia (FA). Also called: Fanconi's anemia. Identifiers: Orphanet 84, MedGen C0015625, MeSH D005199, MONDO:0019391.

Submission:

Labcorp Genetics (formerly Invitae), Labcorp
Classification: Uncertain significance for Fanconi anemia. Last evaluated: 2020-09-10. Review status: criteria provided, single submitter. Criteria: Invitae Variant Classification Sherloc (09022015). Collection method: clinical testing. Allele origin: germline.
Comment: In summary, the available evidence is currently insufficient to determine the role of this variant in disease. Therefore, it has been classified as a Variant of Uncertain Significance. Algorithms developed to predict the effect of missense changes on protein structure and function output the following: SIFT: "Tolerated"; PolyPhen-2: "Benign"; Align-GVGD: "Class C0". The isoleucine amino acid residue is found in multiple mammalian species, suggesting that this missense change does not adversely affect protein function. These predictions have not been confirmed by published functional studies and their clinical significance is uncertain. This variant has not been reported in the literature in individuals with FANCB-related conditions. This variant is not present in population databases (ExAC no frequency). This sequence change replaces valine with isoleucine at codon 341 of the FANCB protein (p.Val341Ile). The valine residue is moderately conserved and there is a small physicochemical difference between valine and isoleucine.